The following is an entry in ClinVar:

NM_001384140.1(PCDH15):c.975del (p.Ile326fs)

Gene: PCDH15 (protocadherin related 15; minus strand). Cytogenetic location: 10q21.1.
Variant type: Deletion.
Coding change: c.975del on transcript NM_001384140.1 (MANE Select); coding-DNA position 975, one base deleted (C; older notation c.975delC).
Protein change: p.Ile326fs; shifts the reading frame from isoleucine 326.
Molecular consequence: frameshift variant.
Genome position (GRCh38, 1-based): chr10:54,236,833, G deleted on the plus strand (C on the coding strand, the reverse complement: PCDH15 is on the minus strand); the first of 2 consecutive G bases (chr10:54,236,833-54,236,834); deleting either gives the same sequence. VCF-style (leftmost placement, unchanged base first): chr10-54236832-TG-T. GRCh37 (hg19) VCF-style: chr10-55996592-TG-T.
Other names: c.990del, p.Ile331fs (NM_001142763.2, NM_001142771.2); c.975del, p.Ile326fs (NM_001142764.2, NM_001142765.2, NM_001142766.2 and 7 more transcripts); c.864del, p.Ile289fs (NM_001142767.2); c.909del, p.Ile304fs (NM_001142768.2, NM_001142773.2, NM_001354404.2); c.989delC, p.Ile331Serfs (NM_001142769.4); short protein forms I304fs, I326fs, I289fs, I331fs.
Identifiers: ClinVar variation 2819769 (VCV002819769.3), dbSNP rs2540221717, ClinGen allele CA2739265388.

ClinVar aggregate classification (germline): Pathogenic (1 of 4 stars; one submission).

Submission:

Labcorp Genetics (formerly Invitae), Labcorp
Classification: Pathogenic. Last evaluated: 2022-12-09. Review status: criteria provided, single submitter. Criteria: Invitae Variant Classification Sherloc (09022015). Collection method: clinical testing. Allele origin: germline.
Comment: This sequence change creates a premature translational stop signal (p.Ile326Serfs*28) in the PCDH15 gene. It is expected to result in an absent or disrupted protein product. Loss-of-function variants in PCDH15 are known to be pathogenic (PMID: 11398101, 11487575, 14570705). This variant is not present in population databases (gnomAD no frequency). This variant has not been reported in the literature in individuals affected with PCDH15-related conditions. For these reasons, this variant has been classified as Pathogenic.

Literature cited by the submitters: PubMed 11398101; PubMed 11487575; PubMed 14570705.